The following is an entry in ClinVar:

NM_024989.4(PGAP1):c.2286+6T>G

Gene: PGAP1 (post-GPI attachment to proteins inositol deacylase 1; minus strand). Cytogenetic location: 2q33.1.
Variant type: single nucleotide variant.
Coding change: c.2286+6T>G on transcript NM_024989.4 (MANE Select); 6 bases into the intron after coding-DNA position 2286, T replaced by G.
Molecular consequence: intron variant.
Genome position (GRCh38, 1-based): chr2:196,845,876, A>C on the plus strand (T>G on the coding strand, the complement: PGAP1 is on the minus strand). VCF-style: chr2-196845876-A-C. GRCh37 (hg19) VCF-style: chr2-197710600-A-C.
Other names: c.1119+6T>G (NM_001321100.2); c.1764+6T>G (NM_001321099.2).
Identifiers: ClinVar variation 390488 (VCV000390488.1), dbSNP rs1057523793, ClinGen allele CA16604321.

ClinVar aggregate classification (germline): Likely benign (1 of 4 stars; one submission).

Allele frequency attached by ClinVar (database versions not stated): gnomAD 0.00001.
gnomAD v4.1: 1 of 1,594,802 alleles (0.000063%); highest among the groups gnomAD compares: Non-Finnish European, 0.000086%; no homozygotes.

Submission:

GeneDx
Classification: Likely benign. Last evaluated: 2016-11-08. Review status: criteria provided, single submitter. Criteria: GeneDx Variant Classification (06012015). Collection method: clinical testing. Allele origin: germline. Affected: yes.
Comment: This variant is considered likely benign or benign based on one or more of the following criteria: it is a conservative change, it occurs at a poorly conserved position in the protein, it is predicted to be benign by multiple in silico algorithms, and/or has population frequency not consistent with disease.